The following is an entry in ClinVar:

NM_021008.4(DEAF1):c.1565A>G (p.Asn522Ser)

Gene: DEAF1 (DEAF1 transcription factor; minus strand). Cytogenetic location: 11p15.5.
Variant type: single nucleotide variant.
Coding change: c.1565A>G on transcript NM_021008.4 (MANE Select); coding-DNA position 1565, A replaced by G.
Protein change: p.Asn522Ser; replaces asparagine 522 with serine.
Molecular consequence: missense variant.
Genome position (GRCh38, 1-based): chr11:653,990, T>C on the plus strand (A>G on the coding strand, the complement: DEAF1 is on the minus strand). VCF-style: chr11-653990-T-C. GRCh37 (hg19) VCF-style: chr11-653990-T-C.
Other names: c.1340A>G, p.Asn447Ser (NM_001293634.2); c.839A>G, p.Asn280Ser (NM_001367390.1); short protein forms N522S, N280S, N447S.
Identifiers: ClinVar variation 2785558 (VCV002785558.3), dbSNP rs930898406, ClinGen allele CA216945805.

ClinVar aggregate classification (germline): Uncertain significance (1 of 4 stars; one submission).

Allele frequency attached by ClinVar (database versions not stated): gnomAD exomes below 0.00001; TOPMed below 0.00001.
gnomAD v4.1: 4 of 1,613,928 alleles (0.00025%); highest among the groups gnomAD compares: South Asian, 0.0011%; no homozygotes.

Submission:

Labcorp Genetics (formerly Invitae), Labcorp
Classification: Uncertain significance. Last evaluated: 2023-04-06. Review status: criteria provided, single submitter. Criteria: Invitae Variant Classification Sherloc (09022015). Collection method: clinical testing. Allele origin: germline.
Comment: This sequence change replaces asparagine, which is neutral and polar, with serine, which is neutral and polar, at codon 522 of the DEAF1 protein (p.Asn522Ser). This variant is not present in population databases (gnomAD no frequency). This variant has not been reported in the literature in individuals affected with DEAF1-related conditions. Advanced modeling of protein sequence and biophysical properties (such as structural, functional, and spatial information, amino acid conservation, physicochemical variation, residue mobility, and thermodynamic stability) has been performed at Invitae for this missense variant, however the output from this modeling did not meet the statistical confidence thresholds required to predict the impact of this variant on DEAF1 protein function. In summary, the available evidence is currently insufficient to determine the role of this variant in disease. Therefore, it has been classified as a Variant of Uncertain Significance.